The following is an entry in ClinVar:

ClinVar aggregate classification (germline): Likely benign. Review status: criteria provided, multiple submitters, no conflicts (2 of 4 stars). 2 submissions from 2 submitters: Likely benign (2). Last evaluated 2025-02-07.

Conditions:
HSD17B4-related disorder. Also called: HSD17B4-related condition; HSD17B4-related disorders.
Bifunctional peroxisomal enzyme deficiency (DBIF). Also called: DBP DEFICIENCY; PBFE DEFICIENCY; D-bifunctional protein deficiency. Identifiers: Orphanet 300, MedGen C0342870, MONDO:0009855, OMIM 261515. Disease mechanism: loss of function.
Perrault syndrome. Also called: Gonadal dysgenesis with auditory dysfunction, autosomal recessive inheritance. Identifiers: Orphanet 2855, MedGen C0685838, MONDO:0017312.

gnomAD v4.1: 3 of 1,613,010 alleles (0.00019%); highest among the groups gnomAD compares: East Asian, 0.0022%; no homozygotes.

Submissions (2):

PreventionGenetics, part of Exact Sciences
Classification: Likely benign for HSD17B4-related condition. Last evaluated: 2025-02-07. Review status: criteria provided, single submitter. Criteria: ACMG Guidelines, 2015. Collection method: clinical testing. Allele origin: germline.
Comment: This variant is classified as likely benign based on ACMG/AMP sequence variant interpretation guidelines (Richards et al. 2015 PMID: 25741868, with internal and published modifications).

Labcorp Genetics (formerly Invitae), Labcorp
Classification: Likely benign for Perrault syndrome; Bifunctional peroxisomal enzyme deficiency. Last evaluated: 2023-11-22. Review status: criteria provided, single submitter. Criteria: Invitae Variant Classification Sherloc (09022015). Collection method: clinical testing. Allele origin: germline.

NM_000414.4(HSD17B4):c.402A>T (p.Ala134=)

Gene: HSD17B4 (hydroxysteroid 17-beta dehydrogenase 4; plus strand). Cytogenetic location: 5q23.1.
Variant type: single nucleotide variant.
Coding change: c.402A>T on transcript NM_000414.4 (MANE Select); coding-DNA position 402, A replaced by T.
Protein change: p.Ala134=; no amino-acid change (alanine 134 retained).
Molecular consequence: synonymous variant. On other transcripts: 5 prime UTR variant (5), non-coding transcript variant (2).
Genome position (GRCh38, 1-based): chr5:119,477,469, A>T. VCF-style: chr5-119477469-A-T. GRCh37 (hg19) VCF-style: chr5-118813164-A-T.
Other names: c.477A>T, p.Ala159= (NM_001199291.3); c.348A>T, p.Ala116= (NM_001199292.2); c.330A>T, p.Ala110= (NM_001292027.2); c.-10A>T (NM_001292028.2, NM_001374501.1, NM_001374502.1 and 1 more transcripts); c.402A>T, p.Ala134= (NM_001374497.1, NM_001374498.1); c.75A>T, p.Ala25= (NM_001374499.1); c.-137A>T (NM_001374500.1); c.402A>T (NM_000414.3).
Identifiers: ClinVar variation 1110660 (VCV001110660.8), dbSNP rs754255447, ClinGen allele CA446041175.
Genomic context (GRCh38, chr5:119,477,469, plus strand): 5'-TGTTTTAGATATAATCCACAGAGTTCATTTGCGGGGTTCATTCCAAGTGACACGGGCAGC[A>T]TGGGAACACATGAAGAAACAGAAGTATGGAAGGTAGAGTTGCATGTGGTTGTCAAGGGGG-3'
Protein context (NP_000405.1, residues 124-144): LRGSFQVTRA[Ala134=]WEHMKKQKYG